The following is an entry in ClinVar:

ClinVar aggregate classification (germline): Uncertain significance (1 of 4 stars; one submission).

gnomAD v4.1: 2 of 1,613,978 alleles (0.00012%); highest among the groups gnomAD compares: African/African-American, 0.0013%; no homozygotes.

Submission:

GeneDx
Classification: Uncertain significance. Last evaluated: 2026-09-18. Review status: criteria provided, single submitter. Criteria: GeneDx Variant Classification Process June 2021. Collection method: clinical testing. Allele origin: germline.
Comment: Not observed at significant frequency in large population cohorts (gnomAD); In silico analysis indicates that this missense variant does not alter protein structure/function; Has not been previously published as pathogenic or benign to our knowledge

NM_001242896.3(DEPDC5):c.3506G>A (p.Ser1169Asn)

Gene: DEPDC5 (DEP domain containing 5, GATOR1 subcomplex subunit; plus strand). Cytogenetic location: 22q12.3.
Variant type: single nucleotide variant.
Coding change: c.3506G>A on transcript NM_001242896.3 (MANE Select); coding-DNA position 3506, G replaced by A.
Protein change: p.Ser1169Asn; replaces serine 1169 with asparagine.
Molecular consequence: missense variant. On other transcripts: non-coding transcript variant (4).
Genome position (GRCh38, 1-based): chr22:31,873,275, G>A. VCF-style: chr22-31873275-G-A. GRCh37 (hg19) VCF-style: chr22-32269261-G-A.
Other names: c.3479G>A, p.Ser1160Asn (NM_001136029.4); c.3206G>A, p.Ser1069Asn (NM_001242897.2); c.3440G>A, p.Ser1147Asn (NM_001363852.2, NM_001364320.2); c.3272G>A, p.Ser1091Asn (NM_001363854.2, NM_001364319.2); c.3506G>A, p.Ser1169Asn (NM_001364318.2); c.3422G>A, p.Ser1141Asn (NM_001369901.1, NM_001369902.1); c.3413G>A, p.Ser1138Asn (NM_001369903.1, NM_014662.6); short protein forms S1069N, S1091N, S1138N, S1141N, S1147N, S1160N, S1169N.
Identifiers: ClinVar variation 4056897 (VCV004056897.2).